The following is an entry in ClinVar:

ClinVar aggregate classification (germline): Pathogenic (1 of 4 stars; one submission).

Conditions:
Ehlers-Danlos syndrome, classic type, 1 (EDSCL1). Also called: EHLERS-DANLOS SYNDROME, GRAVIS TYPE; EHLERS-DANLOS SYNDROME, SEVERE CLASSIC TYPE; Ehlers-Danlos syndrome, type 1; Ehlers-Danlos Syndrome, Classic Type, COL5A1-Related; EDS I. Identifiers: MedGen C0268335, MONDO:0019567, OMIM 130000.

Submission:

Labcorp Genetics (formerly Invitae), Labcorp
Classification: Pathogenic for Ehlers-Danlos syndrome, classic type, 1. Last evaluated: 2024-03-18. Review status: criteria provided, single submitter. Criteria: Invitae Variant Classification Sherloc (09022015). Collection method: clinical testing. Allele origin: germline.
Comment: This sequence change creates a premature translational stop signal (p.Gln1205*) in the COL5A1 gene. It is expected to result in an absent or disrupted protein product. Loss-of-function variants in COL5A1 are known to be pathogenic (PMID: 23587214). This variant is not present in population databases (gnomAD no frequency). This premature translational stop signal has been observed in individual(s) with Ehlers-Danlos syndrome (PMID: 34265140). ClinVar contains an entry for this variant (Variation ID: 1456157). For these reasons, this variant has been classified as Pathogenic.

Literature cited by the submitters: PubMed 23587214; PubMed 34265140.

NM_000093.5(COL5A1):c.3613C>T (p.Gln1205Ter)

Gene: COL5A1 (collagen type V alpha 1 chain; plus strand). Cytogenetic location: 9q34.3.
Variant type: single nucleotide variant.
Coding change: c.3613C>T on transcript NM_000093.5 (MANE Select); coding-DNA position 3613, C replaced by T.
Protein change: p.Gln1205Ter; replaces glutamine 1205 with a stop codon.
Molecular consequence: nonsense.
Genome position (GRCh38, 1-based): chr9:134,811,522, C>T. VCF-style: chr9-134811522-C-T. GRCh37 (hg19) VCF-style: chr9-137703368-C-T.
Other names: c.3613C>T, p.Gln1205Ter (NM_001278074.1); short protein forms Q1205*.
Identifiers: ClinVar variation 1456157 (VCV001456157.6), dbSNP rs2132844990, ClinGen allele CA375454123.